The following is an entry in ClinVar:

NM_021008.4(DEAF1):c.761G>C (p.Arg254Thr)

Gene: DEAF1 (DEAF1 transcription factor; minus strand). Cytogenetic location: 11p15.5.
Variant type: single nucleotide variant.
Coding change: c.761G>C on transcript NM_021008.4 (MANE Select); coding-DNA position 761, G replaced by C.
Protein change: p.Arg254Thr; replaces arginine 254 with threonine.
Molecular consequence: missense variant. On other transcripts: intron variant (1).
Genome position (GRCh38, 1-based): chr11:686,901, C>G on the plus strand (G>C on the coding strand, the complement: DEAF1 is on the minus strand). VCF-style: chr11-686901-C-G. GRCh37 (hg19) VCF-style: chr11-686901-C-G.
Other names: c.35G>C, p.Arg12Thr (NM_001367390.1, NM_001440885.1, NM_001440886.1 and 1 more transcripts); c.761G>C, p.Arg254Thr (NM_001440883.1, NM_001440884.1); c.664+1010G>C (NM_001293634.2); short protein forms R12T, R254T.
Identifiers: ClinVar variation 3377443 (VCV003377443.1).

ClinVar aggregate classification (germline): Likely pathogenic (1 of 4 stars; one submission).

Conditions:
Intellectual disability, autosomal dominant 24 (VSVS). Also called: VULTO-VAN SILFHOUT-DE VRIES SYNDROME. Identifiers: MedGen C4014414, MONDO:0014357, OMIM 615828.

Submission:

Victorian Clinical Genetics Services, Murdoch Childrens Research Institute
Classification: Likely pathogenic for Intellectual disability, autosomal dominant 24. Last evaluated: 2020-05-25. Review status: criteria provided, single submitter. Criteria: ACMG Guidelines, 2015. Collection method: clinical testing. Allele origin: germline. Affected: yes.
Comment: Based on the classification scheme VCGS_Germline_v0.6.1, this variant is classified as Likely pathogenic. Following criteria are met: 0102 - Loss of function is a known mechanism of disease for this gene. 0104 - Mechanism of disease for this gene is dominant negative. 0108 - This gene is known to be associated with both recessive and dominant disease. 0200 - Variant is predicted to result in a missense amino acid change from arginine to threonine (exon 5). 0301 - Variant is absent from gnomAD. 0501 - Missense variant consistently predicted to be damaging by in-silico tools or highly conserved with a major amino acid change. 0602 - Variant affects known hotspot region or cluster of pathogenic variants (SAND domain; NCBI). 0704 - Comparable variant in relevant codon/region has low previous evidence for pathogenicity. A different variant in the same codon resulting in a change to serine has also been reported in a patient with intellectual disability (PMID: 24726472) 0807 - Variant has not previously been reported in a clinical context. 0905 - No published segregation evidence has been identified for this variant. 1007 - No published functional evidence has been identified for this variant. 1204 - De Novo Variant (Parental status not tested but assumed) Legend: (P) - Pathogenic, (N) - Neutral, (B) - Benign

Literature cited by the submitters: PubMed 24726472.